The following is an entry in ClinVar:

NM_005573.4(LMNB1):c.*18C>T

Gene: LMNB1 (lamin B1; plus strand). Cytogenetic location: 5q23.2.
Variant type: single nucleotide variant.
Coding change: c.*18C>T on transcript NM_005573.4 (MANE Select); 18 bases downstream of the stop codon, C replaced by T.
Molecular consequence: 3 prime UTR variant. On other transcripts: non-coding transcript variant (1).
Genome position (GRCh38, 1-based): chr5:126,836,282, C>T. VCF-style: chr5-126836282-C-T. GRCh37 (hg19) VCF-style: chr5-126171974-C-T.
Other names: c.*18C>T (NM_001198557.2).
Identifiers: ClinVar variation 66612 (VCV000066612.6), dbSNP rs2230151, ClinGen allele CA217396.

ClinVar aggregate classification (germline): Benign. Review status: criteria provided, multiple submitters, no conflicts (2 of 4 stars). 3 submissions from 3 submitters: Benign (2). 1 of the submissions does not count toward it. Last evaluated 2021-05-14.

Conditions:
Adult-onset autosomal dominant demyelinating leukodystrophy. Identifiers: Orphanet 99027, MedGen C1868512, MONDO:0008215.

Allele frequency attached by ClinVar (database versions not stated): 1000 Genomes Project 0.04493; 1000 Genomes Project 30x 0.04622; TOPMed 0.05509; ESP Exome Variant Server 0.05598; gnomAD 0.05698 and 0.05737; gnomAD exomes 0.06355 and 0.06477; ExAC 0.06571.
gnomAD v4.1: 100,971 of 1,573,692 alleles (6.4%); highest among the groups gnomAD compares: South Asian, 7.4%; 3,483 homozygotes.

Submissions (3):

GeneDx
Classification: Benign. Last evaluated: 2021-05-14. Review status: criteria provided, single submitter. Criteria: GeneDx Variant Classification Process June 2021. Collection method: clinical testing. Allele origin: germline. Affected: yes.

Illumina Laboratory Services, Illumina
Classification: Benign for Leukodystrophy, demyelinating, adult-onset, autosomal dominant, typical. Last evaluated: 2018-01-12. Review status: criteria provided, single submitter. Criteria: ICSL Variant Classification Criteria 13 December 2019. Collection method: clinical testing. Allele origin: germline.
Comment: This variant was observed in the ICSL laboratory as part of a predisposition screen in an ostensibly healthy population. It had not been previously curated by ICSL or reported in the Human Gene Mutation Database (HGMD: prior to June 1st, 2018), and was therefore a candidate for classification through an automated scoring system. Utilizing variant allele frequency, disease prevalence and penetrance estimates, and inheritance mode, an automated score was calculated to assess if this variant is too frequent to cause the disease. Based on the score and internal cut-off values, a variant classified as benign is not then subjected to further curation. The score for this variant resulted in a classification of benign for this disease.

Epithelial Biology;  Institute of Medical Biology, Singapore
No classification provided. Review status: no classification provided. Collection method: not provided. Allele origin: not provided. Not counted in ClinVar's aggregate classification.